The following is an entry in ClinVar:

NM_006445.4(PRPF8):c.3061-14TTCT[2]

Gene: PRPF8 (pre-mRNA processing factor 8; minus strand). Cytogenetic location: 17p13.3.
Variant type: Microsatellite.
Coding change: c.3061-14TTCT[2] on transcript NM_006445.4 (MANE Select); two copies in a row of the 4-base unit TTCT starting at c.3061-14; the reference has three copies in a row; one copy, 4 bases deleted.
Molecular consequence: intron variant.
Genome position (GRCh38, 1-based): chr17:1,674,683-1,674,686, AGAA deleted on the plus strand (TTCT on the coding strand, the reverse complement: PRPF8 is on the minus strand); deleting any 4 consecutive bases within chr17:1,674,683-1,674,694 gives the same sequence; the position shown is the placement nearest the transcript's 3' end. VCF-style (leftmost placement, unchanged base first): chr17-1674682-TAGAA-T. GRCh37 (hg19) VCF-style: chr17-1577976-TAGAA-T.
Identifiers: ClinVar variation 2782056 (VCV002782056.3), dbSNP rs778164543, ClinGen allele CA286805675.

ClinVar aggregate classification (germline): Uncertain significance (1 of 4 stars; one submission).

Submission:

Labcorp Genetics (formerly Invitae), Labcorp
Classification: Uncertain significance. Last evaluated: 2024-12-16. Review status: criteria provided, single submitter. Criteria: Invitae Variant Classification Sherloc (09022015). Collection method: clinical testing. Allele origin: germline.
Comment: This sequence change falls in intron 20 of the PRPF8 gene. It does not directly change the encoded amino acid sequence of the PRPF8 protein. This variant is not present in population databases (gnomAD no frequency). This variant has been observed in individual(s) with retinitis pigmentosa (PMID: 36685344). Algorithms developed to predict the effect of sequence changes on RNA splicing suggest that this variant may disrupt the consensus splice site. In summary, the available evidence is currently insufficient to determine the role of this variant in disease. Therefore, it has been classified as a Variant of Uncertain Significance.

Literature cited by the submitters: PubMed 36685344.